The following is an entry in ClinVar:

ClinVar aggregate classification (germline): Uncertain significance (1 of 4 stars; one submission).

Submission:

Ambry Genetics
Classification: Uncertain significance. Last evaluated: 2026-06-24. Review status: criteria provided, single submitter. Criteria: Ambry Variant Classification Scheme 2023. Collection method: clinical testing. Allele origin: germline.
Comment: The p.R533L variant (also known as c.1598G>T), located in coding exon 7 of the WNK2 gene, results from a G to T substitution at nucleotide position 1598. The arginine at codon 533 is replaced by leucine, an amino acid with dissimilar properties. This amino acid position is conserved. In addition, this alteration is predicted to be deleterious by in silico analysis. Based on the available evidence, the clinical significance of this variant remains unclear.

NM_006648.4(WNK2):c.1598G>T (p.Arg533Leu)

Gene: WNK2 (WNK lysine deficient protein kinase 2; plus strand). Cytogenetic location: 9q22.31.
Variant type: single nucleotide variant.
Coding change: c.1598G>T on transcript NM_006648.4 (MANE Select); coding-DNA position 1598, G replaced by T.
Protein change: p.Arg533Leu; replaces arginine 533 with leucine.
Molecular consequence: missense variant.
Genome position (GRCh38, 1-based): chr9:93,247,598, G>T. VCF-style: chr9-93247598-G-T. GRCh37 (hg19) VCF-style: chr9-96009880-G-T.
Other names: c.1598G>T, p.Arg533Leu (NM_001282394.3); short protein forms R533L.
Identifiers: ClinVar variation 5031810 (VCV005031810.1).